The following is an entry in ClinVar:

NM_000540.3(RYR1):c.12572G>C (p.Arg4191Pro)

Gene: RYR1 (ryanodine receptor 1; plus strand). Cytogenetic location: 19q13.2.
Variant type: single nucleotide variant.
Coding change: c.12572G>C on transcript NM_000540.3 (MANE Select); coding-DNA position 12572, G replaced by C.
Protein change: p.Arg4191Pro; replaces arginine 4191 with proline.
Molecular consequence: missense variant.
Genome position (GRCh38, 1-based): chr19:38,561,402, G>C. VCF-style: chr19-38561402-G-C. GRCh37 (hg19) VCF-style: chr19-39052042-G-C.
Other names: c.12557G>C, p.Arg4186Pro (NM_001042723.2); short protein forms R4191P, R4186P.
Identifiers: ClinVar variation 845958 (VCV000845958.9), dbSNP rs765730833, ClinGen allele CA405669732.

ClinVar aggregate classification (germline): Uncertain significance (1 of 4 stars; one submission).

Conditions:
RYR1-related disorder. Also called: RYR1-related disorders; RYR1-related condition. Identifiers: MedGen CN239331.

Submission:

Labcorp Genetics (formerly Invitae), Labcorp
Classification: Uncertain significance for RYR1-related disorder. Last evaluated: 2022-09-12. Review status: criteria provided, single submitter. Criteria: Invitae Variant Classification Sherloc (09022015). Collection method: clinical testing. Allele origin: germline.
Comment: In summary, the available evidence is currently insufficient to determine the role of this variant in disease. Therefore, it has been classified as a Variant of Uncertain Significance. Advanced modeling of protein sequence and biophysical properties (such as structural, functional, and spatial information, amino acid conservation, physicochemical variation, residue mobility, and thermodynamic stability) performed at Invitae indicates that this missense variant is expected to disrupt RYR1 protein function. ClinVar contains an entry for this variant (Variation ID: 845958). This variant has not been reported in the literature in individuals affected with RYR1-related conditions. This variant is not present in population databases (gnomAD no frequency). This sequence change replaces arginine, which is basic and polar, with proline, which is neutral and non-polar, at codon 4191 of the RYR1 protein (p.Arg4191Pro).